The following is an entry in ClinVar:

NM_001382430.1(AKT1):c.1322A>G (p.Glu441Gly)

Gene: AKT1 (AKT serine/threonine kinase 1; minus strand). Cytogenetic location: 14q32.33.
Variant type: single nucleotide variant.
Coding change: c.1322A>G on transcript NM_001382430.1 (MANE Select); coding-DNA position 1322, A replaced by G.
Protein change: p.Glu441Gly; replaces glutamic acid 441 with glycine.
Molecular consequence: missense variant.
Genome position (GRCh38, 1-based): chr14:104,770,786, T>C on the plus strand (A>G on the coding strand, the complement: AKT1 is on the minus strand). VCF-style: chr14-104770786-T-C. GRCh37 (hg19) VCF-style: chr14-105237123-T-C.
Other names: c.1322A>G, p.Glu441Gly (NM_001014431.2, NM_001014432.2, NM_001382431.1 and 3 more transcripts); short protein forms E441G.
Identifiers: ClinVar variation 1769930 (VCV001769930.2), dbSNP rs1892342047, ClinGen allele CA391214532.

ClinVar aggregate classification (germline): Uncertain significance (1 of 4 stars; one submission).

Conditions:
Inborn genetic diseases. Identifiers: MedGen C0950123, MeSH D030342.

Submission:

Ambry Genetics
Classification: Uncertain significance for Inborn genetic diseases. Last evaluated: 2021-09-04. Review status: criteria provided, single submitter. Criteria: Ambry Variant Classification Scheme 2023. Collection method: clinical testing. Allele origin: germline.
Comment: The p.E441G variant (also known as c.1322A>G), located in coding exon 12 of the AKT1 gene, results from an A to G substitution at nucleotide position 1322. The glutamic acid at codon 441 is replaced by glycine, an amino acid with similar properties. This amino acid position is conserved. In addition, the in silico prediction for this alteration is inconclusive. Since supporting evidence is limited at this time, the clinical significance of this alteration remains unclear.